The following is an entry in ClinVar:

ClinVar aggregate classification (germline): Uncertain significance (1 of 4 stars; one submission).

Allele frequency attached by ClinVar (database versions not stated): gnomAD 0.00001; TOPMed 0.00001; ExAC 0.00002.

Submission:

Labcorp Genetics (formerly Invitae), Labcorp
Classification: Uncertain significance. Last evaluated: 2023-02-03. Review status: criteria provided, single submitter. Criteria: Invitae Variant Classification Sherloc (09022015). Collection method: clinical testing. Allele origin: germline.
Comment: This variant is present in population databases (rs774823632, gnomAD 0.003%). This sequence change replaces tyrosine, which is neutral and polar, with cysteine, which is neutral and slightly polar, at codon 578 of the CRAT protein (p.Tyr578Cys). This variant has not been reported in the literature in individuals affected with CRAT-related conditions. Advanced modeling of protein sequence and biophysical properties (such as structural, functional, and spatial information, amino acid conservation, physicochemical variation, residue mobility, and thermodynamic stability) performed at Invitae indicates that this missense variant is expected to disrupt CRAT protein function. In summary, the available evidence is currently insufficient to determine the role of this variant in disease. Therefore, it has been classified as a Variant of Uncertain Significance.

NM_000755.5(CRAT):c.1733A>G (p.Tyr578Cys)

Gene: CRAT (carnitine O-acetyltransferase; minus strand). Cytogenetic location: 9q34.11.
Variant type: single nucleotide variant.
Coding change: c.1733A>G on transcript NM_000755.5 (MANE Select); coding-DNA position 1733, A replaced by G.
Protein change: p.Tyr578Cys; replaces tyrosine 578 with cysteine.
Molecular consequence: missense variant.
Genome position (GRCh38, 1-based): chr9:129,095,545, T>C on the plus strand (A>G on the coding strand, the complement: CRAT is on the minus strand). VCF-style: chr9-129095545-T-C. GRCh37 (hg19) VCF-style: chr9-131857824-T-C.
Other names: c.1670A>G, p.Tyr557Cys (NM_001257363.3, NM_004003.4); c.1736A>G, p.Tyr579Cys (NM_001346546.2); c.1661A>G, p.Tyr554Cys (NM_001346547.2); c.1598A>G, p.Tyr533Cys (NM_001346548.2); c.1613A>G, p.Tyr538Cys (NM_001346549.2); short protein forms Y557C, Y578C, Y554C, Y538C, Y533C, Y579C.
Identifiers: ClinVar variation 2974606 (VCV002974606.3), dbSNP rs774823632, ClinGen allele CA5275261.